The following is an entry in ClinVar:

ClinVar aggregate classification (germline): Pathogenic. Review status: criteria provided, multiple submitters, no conflicts (2 of 4 stars). 2 submissions from 2 submitters: Pathogenic (2). Last evaluated 2024-05-09.

Conditions:
SLC12A1-related disorder. Also called: SLC12A1-related condition.

Submissions (2):

Labcorp Genetics (formerly Invitae), Labcorp
Classification: Pathogenic. Last evaluated: 2024-05-09. Review status: criteria provided, single submitter. Criteria: Invitae Variant Classification Sherloc (09022015). Collection method: clinical testing. Allele origin: germline.
Comment: This sequence change creates a premature translational stop signal (p.Ala557Aspfs*8) in the SLC12A1 gene. It is expected to result in an absent or disrupted protein product. Loss-of-function variants in SLC12A1 are known to be pathogenic (PMID: 8640224, 9585600, 19096086). This variant is present in population databases (no rsID available, gnomAD 0.0009%). This premature translational stop signal has been observed in individual(s) with clinical features of SLC12A1-related conditions (PMID: 25741940). For these reasons, this variant has been classified as Pathogenic.

Blueprint Genetics
Classification: Pathogenic for SLC12A1-related disorders. Last evaluated: 2022-08-15. Review status: criteria provided, single submitter. Criteria: ACMG Guidelines, 2015. Collection method: clinical testing. Allele origin: germline. Affected: yes. Observed: 2 variant alleles.

Literature cited by the submitters: PubMed 8640224 (cited by Labcorp Genetics (formerly Invitae), Labcorp); PubMed 9585600 (cited by Labcorp Genetics (formerly Invitae), Labcorp); PubMed 19096086 (cited by Labcorp Genetics (formerly Invitae), Labcorp); PubMed 25741940 (cited by Labcorp Genetics (formerly Invitae), Labcorp).

NM_000338.3(SLC12A1):c.1670del (p.Ala557fs)

Gene: SLC12A1 (solute carrier family 12 member 1; plus strand). Cytogenetic location: 15q21.1.
Variant type: Deletion.
Coding change: c.1670del on transcript NM_000338.3 (MANE Select); coding-DNA position 1670, one base deleted (C; older notation c.1670delC).
Protein change: p.Ala557fs; shifts the reading frame from alanine 557.
Molecular consequence: frameshift variant.
Genome position (GRCh38, 1-based): chr15:48,247,446, C deleted. VCF-style (leftmost placement, unchanged base first): chr15-48247445-GC-G. GRCh37 (hg19) VCF-style: chr15-48539642-GC-G.
Other names: c.1670del, p.Ala557fs (NM_001184832.2, NM_001384136.1); short protein forms A557fs.
Identifiers: ClinVar variation 3721722 (VCV003721722.3).